The following is an entry in ClinVar:

NM_001080.3(ALDH5A1):c.799G>T (p.Val267Leu)

Gene: ALDH5A1 (aldehyde dehydrogenase 5 family member A1; plus strand). Cytogenetic location: 6p22.3.
Variant type: single nucleotide variant.
Coding change: c.799G>T on transcript NM_001080.3 (MANE Select); coding-DNA position 799, G replaced by T.
Protein change: p.Val267Leu; replaces valine 267 with leucine.
Molecular consequence: missense variant. On other transcripts: intron variant (1).
Genome position (GRCh38, 1-based): chr6:24,515,239, G>T. VCF-style: chr6-24515239-G-T. GRCh37 (hg19) VCF-style: chr6-24515467-G-T.
Other names: c.838G>T, p.Val280Leu (NM_170740.1); c.727-5162G>T (NM_001368954.1); short protein forms V267L, V280L.
Identifiers: ClinVar variation 961056 (VCV000961056.7), dbSNP rs1759546145, ClinGen allele CA362971828.

ClinVar aggregate classification (germline): Uncertain significance. Review status: criteria provided, multiple submitters, no conflicts (2 of 4 stars). 2 submissions from 2 submitters: Uncertain significance (2). Last evaluated 2021-08-26.

Conditions:
Succinate-semialdehyde dehydrogenase deficiency (SSADHD). Also called: SSADH DEFICIENCY; 4-HYDROXYBUTYRIC ACIDURIA; GABA METABOLIC DEFECT; Succinic Semialdehyde Dehydrogenase Deficiency. Identifiers: Orphanet 22, MedGen C0268631, MONDO:0010083, OMIM 271980.

Submissions (2):

Labcorp Genetics (formerly Invitae), Labcorp
Classification: Uncertain significance for Succinate-semialdehyde dehydrogenase deficiency. Last evaluated: 2021-08-26. Review status: criteria provided, single submitter. Criteria: Invitae Variant Classification Sherloc (09022015). Collection method: clinical testing. Allele origin: germline.

GeneDx
Classification: Uncertain significance. Last evaluated: 2019-08-14. Review status: criteria provided, single submitter. Criteria: GeneDx Variant Classification Process June 2021. Collection method: clinical testing. Allele origin: germline. Affected: yes.
Comment: Not observed in large population cohorts (Lek et al., 2016); In silico analysis, which includes protein predictors and evolutionary conservation, supports that this variant does not alter protein structure/function; Has not been previously published as pathogenic or benign to our knowledge